The following is an entry in ClinVar:

ClinVar aggregate classification (germline): Uncertain significance (1 of 4 stars; one submission).

Conditions:
Early-infantile DEE. Also called: Early infantile epileptic encephalopathy with suppression bursts; Early infantile epileptic encephalopathy; Ohtahara syndrome. Identifiers: Orphanet 1934, MedGen C0393706, MONDO:0800491.

Submission:

Labcorp Genetics (formerly Invitae), Labcorp
Classification: Uncertain significance for Early-infantile DEE. Last evaluated: 2018-01-15. Review status: criteria provided, single submitter. Criteria: Invitae Variant Classification Sherloc (09022015). Collection method: clinical testing. Allele origin: germline.
Comment: This variant is not present in population databases (ExAC no frequency). This variant has not been reported in the literature in individuals with HCN1-related disease. Algorithms developed to predict the effect of missense changes on protein structure and function do not agree on the potential impact of this missense change (SIFT: "Deleterious"; PolyPhen-2: "Benign"; Align-GVGD: "Class C15"). In summary, the available evidence is currently insufficient to determine the role of this variant in disease. Therefore, it has been classified as a Variant of Uncertain Significance. This sequence change replaces glutamine with lysine at codon 634 of the HCN1 protein (p.Gln634Lys). The glutamine residue is highly conserved and there is a small physicochemical difference between glutamine and lysine.

NM_021072.4(HCN1):c.1900C>A (p.Gln634Lys)

Gene: HCN1 (hyperpolarization activated cyclic nucleotide gated potassium channel 1; minus strand). Cytogenetic location: 5p12.
Variant type: single nucleotide variant.
Coding change: c.1900C>A on transcript NM_021072.4 (MANE Select); coding-DNA position 1900, C replaced by A.
Protein change: p.Gln634Lys; replaces glutamine 634 with lysine.
Molecular consequence: missense variant.
Genome position (GRCh38, 1-based): chr5:45,262,694, G>T on the plus strand (C>A on the coding strand, the complement: HCN1 is on the minus strand). VCF-style: chr5-45262694-G-T. GRCh37 (hg19) VCF-style: chr5-45262796-G-T.
Other names: short protein forms Q634K.
Identifiers: ClinVar variation 580929 (VCV000580929.9), dbSNP rs1561079474, ClinGen allele CA359704463.